The following is an entry in ClinVar:

NM_020778.5(ALPK3):c.-40A>G

Gene: ALPK3 (alpha kinase 3; plus strand). Cytogenetic location: 15q25.3.
Variant type: single nucleotide variant.
Coding change: c.-40A>G on transcript NM_020778.5 (MANE Select); 40 bases upstream of the start codon, A replaced by G.
Molecular consequence: 5 prime UTR variant.
Genome position (GRCh38, 1-based): chr15:84,817,413, A>G. VCF-style: chr15-84817413-A-G. GRCh37 (hg19) VCF-style: chr15-85360644-A-G.
Identifiers: ClinVar variation 4820426 (VCV004820426.1).

ClinVar aggregate classification (germline): Likely benign (1 of 4 stars; one submission).

Submission:

Molecular Diagnostic Laboratory for Inherited Cardiovascular Disease, Montreal Heart Institute
Classification: Likely benign. Last evaluated: 2026-03-27. Review status: criteria provided, single submitter. Criteria: ACMG Guidelines, 2015. Collection method: clinical testing. Allele origin: germline. Affected: no.
Comment: BP7